The following is an entry in ClinVar:

NM_001008212.2(OPTN):c.94C>T (p.Leu32=)

Genes: OPTN (optineurin; plus strand), LOC108903148 (10p13 OPTN distal Alu-mediated recombination region; plus strand). Cytogenetic location: 10p13.
Variant type: single nucleotide variant.
Coding change: c.94C>T on transcript NM_001008212.2 (MANE Select); coding-DNA position 94, C replaced by T.
Protein change: p.Leu32=; no amino-acid change (leucine 32 retained).
Molecular consequence: synonymous variant.
Genome position (GRCh38, 1-based): chr10:13,109,216, C>T. VCF-style: chr10-13109216-C-T. GRCh37 (hg19) VCF-style: chr10-13151216-C-T.
Other names: c.94C>T, p.Leu32= (NM_001008211.1, NM_001008213.1, NM_021980.4).
Identifiers: ClinVar variation 2934214 (VCV002934214.4), dbSNP rs779662670, ClinGen allele CA5410506.

ClinVar aggregate classification (germline): Likely benign. Review status: criteria provided, multiple submitters, no conflicts (2 of 4 stars). 2 submissions from 2 submitters: Likely benign (2). Last evaluated 2026-05-14.

Conditions:
Amyotrophic lateral sclerosis type 12 (ALS12). Also called: AMYOTROPHIC LATERAL SCLEROSIS 12 WITH OR WITHOUT FRONTOTEMPORAL DEMENTIA. Identifiers: Orphanet 803, MedGen C3150692, MONDO:0013264, OMIM 613435.
Glaucoma 1, open angle, E. Identifiers: MedGen C1842026, MONDO:0007665.
Primary open angle glaucoma (POAG). Also called: OPTN-related open angle glaucoma. Identifiers: MedGen C0339573, MONDO:0100553, OMIM 137760.
OPTN-related disorder. Also called: OPTN-related condition; OPTN-related disorders.

Allele frequency attached by ClinVar (database versions not stated): gnomAD exomes 0.00002; gnomAD 0.00030; TOPMed 0.00043.
gnomAD v4.1: 80 of 1,613,948 alleles (0.005%); highest among the groups gnomAD compares: Admixed American, 0.12%; no homozygotes.

Submissions (2):

PreventionGenetics, part of Exact Sciences
Classification: Likely benign for OPTN-related condition. Last evaluated: 2026-05-14. Review status: criteria provided, single submitter. Criteria: ACMG Guidelines, 2015. Collection method: clinical testing. Allele origin: germline.
Comment: This variant is classified as likely benign based on ACMG/AMP sequence variant interpretation guidelines (Richards et al. 2015 PMID: 25741868, with internal and published modifications).

Labcorp Genetics (formerly Invitae), Labcorp
Classification: Likely benign for Primary open angle glaucoma; Glaucoma 1, open angle, E; Amyotrophic lateral sclerosis type 12. Last evaluated: 2024-01-04. Review status: criteria provided, single submitter. Criteria: Invitae Variant Classification Sherloc (09022015). Collection method: clinical testing. Allele origin: germline.